The following is an entry in ClinVar:

ClinVar aggregate classification (germline): Benign/Likely benign. Review status: criteria provided, multiple submitters, no conflicts (2 of 4 stars). 8 submissions from 8 submitters: Benign (1); Likely benign (4). 3 of the submissions do not count toward it. Last evaluated 2026-01-09.

Conditions:
Inborn genetic diseases. Identifiers: MedGen C0950123, MeSH D030342.
Dyskeratosis congenita. Identifiers: Orphanet 1775, MedGen C0265965, MONDO:0015780.
Dyskeratosis congenita, autosomal recessive 5 (DKCB5). Identifiers: MedGen C3554656, MONDO:0014076, OMIM 615190.
Pulmonary fibrosis and/or bone marrow failure, Telomere-related, 3. Also called: PULMONARY FIBROSIS AND/OR BONE MARROW FAILURE SYNDROME, TELOMERE-RELATED, 3. Identifiers: Orphanet 2032, MedGen C4225346, MONDO:0014613, OMIM 616373.
RTEL1-related disorder. Also called: RTEL1-related disorders; RTEL1-related condition.

Allele frequency attached by ClinVar (database versions not stated): gnomAD exomes 0.00007 and 0.00021; ExAC 0.00031; gnomAD 0.00081 and 0.00086; ESP Exome Variant Server 0.00085; 1000 Genomes Project 30x 0.00094; TOPMed 0.00099; 1000 Genomes Project 0.00120.
gnomAD v4.1: 222 of 1,612,288 alleles (0.014%); highest among the groups gnomAD compares: African/African-American, 0.28%; no homozygotes.

Submissions (8):

Labcorp Genetics (formerly Invitae), Labcorp
Classification: Benign for Dyskeratosis congenita, autosomal recessive 5; Pulmonary fibrosis and/or bone marrow failure, Telomere-related, 3. Last evaluated: 2026-01-09. Review status: criteria provided, single submitter. Criteria: Invitae Variant Classification Sherloc (09022015). Collection method: clinical testing. Allele origin: germline.

Blueprint Genetics
Classification: Likely benign. Last evaluated: 2024-11-11. Review status: criteria provided, single submitter. Criteria: ACMG Guidelines, 2015. Collection method: clinical testing. Allele origin: germline.

Ambry Genetics
Classification: Likely benign for Inborn genetic diseases. Last evaluated: 2024-10-04. Review status: criteria provided, single submitter. Criteria: Ambry Variant Classification Scheme 2023. Collection method: clinical testing. Allele origin: germline.

CeGaT Center for Human Genetics Tuebingen
Classification: Likely benign. Last evaluated: 2024-04-01. Review status: criteria provided, single submitter. Criteria: CeGaT Center For Human Genetics Tuebingen Variant Classification Criteria Version 2. Collection method: clinical testing. Allele origin: germline. Affected: yes. Observed: 1 variant allele.
Comment: RTEL1: BP4, BP7

Sema4
Classification: Likely benign for Dyskeratosis congenita. Last evaluated: 2021-06-07. Review status: criteria provided, single submitter. Criteria: Sema4 Curation Guidelines. Collection method: curation. Allele origin: germline.

Genetic Services Laboratory, University of Chicago
Classification: Likely benign. Last evaluated: 2022-06-17. Review status: no assertion criteria provided. Collection method: clinical testing. Allele origin: germline. Affected: no. Not counted in ClinVar's aggregate classification.

PreventionGenetics, part of Exact Sciences
Classification: Likely benign for RTEL1-related condition. Last evaluated: 2019-11-16. Review status: no assertion criteria provided. Collection method: clinical testing. Allele origin: germline. Not counted in ClinVar's aggregate classification.
Comment: This variant is classified as likely benign based on ACMG/AMP sequence variant interpretation guidelines (Richards et al. 2015 PMID: 25741868, with internal and published modifications).

Natera, Inc.
Classification: Likely benign for Dyskeratosis congenita. Last evaluated: 2019-10-25. Review status: no assertion criteria provided. Collection method: clinical testing. Allele origin: germline. Not counted in ClinVar's aggregate classification.

NM_001283009.2(RTEL1):c.3702G>A (p.Pro1234=)

Genes: RTEL1 (regulator of telomere elongation helicase 1; plus strand), RTEL1-TNFRSF6B (RTEL1-TNFRSF6B readthrough (NMD candidate); plus strand). Cytogenetic location: 20q13.33.
Variant type: single nucleotide variant.
Coding change: c.3702G>A on transcript NM_001283009.2 (MANE Select); coding-DNA position 3702, G replaced by A.
Protein change: p.Pro1234=; no amino-acid change (proline 1234 retained).
Molecular consequence: synonymous variant. On other transcripts: non-coding transcript variant (1), intron variant (3).
Genome position (GRCh38, 1-based): chr20:63,695,530, G>A. VCF-style: chr20-63695530-G-A. GRCh37 (hg19) VCF-style: chr20-62326883-G-A.
Other names: c.2983+50G>A (NM_001283010.1); c.3724+50G>A (NM_032957.5); c.3652+50G>A (NM_016434.4).
Identifiers: ClinVar variation 736263 (VCV000736263.37), dbSNP rs368176460, ClinGen allele CA9966163.
Genomic context (GRCh38, chr20:63,695,530, plus strand): 5'-ATCTGAGTGGGGTGAGCCTCATGGGAGAGACATCGCTGGGCAGCAGGCCACGGGAGCTCC[G>A]GGCGGGCCCCTCTCAGCAGGCTGTGTGTGCCAGGGCTGTGGGGCAGAGGACGTGGTGCCC-3'
Protein context (NP_001269938.1, residues 1224-1244): DIAGQQATGA[Pro1234=]GGPLSAGCVC